The following is an entry in ClinVar:

ClinVar aggregate classification (germline): Uncertain significance (1 of 4 stars; one submission).

Conditions:
Charcot-Marie-Tooth disease axonal type 2P. Also called: CHARCOT-MARIE-TOOTH NEUROPATHY, TYPE 2P; Charcot-Marie-Tooth Neuropathy Type 2G; CHARCOT-MARIE-TOOTH DISEASE, AXONAL, TYPE 2G; CMT 2G. Identifiers: Orphanet 300319, Orphanet 99941, MedGen C3280797, MONDO:0013753, OMIM 614436.

Allele frequency attached by ClinVar (database versions not stated): ExAC 0.00002.

Submission:

Labcorp Genetics (formerly Invitae), Labcorp
Classification: Uncertain significance for Charcot-Marie-Tooth disease axonal type 2P. Last evaluated: 2023-09-23. Review status: criteria provided, single submitter. Criteria: Invitae Variant Classification Sherloc (09022015). Collection method: clinical testing. Allele origin: germline.
Comment: Advanced modeling of protein sequence and biophysical properties (such as structural, functional, and spatial information, amino acid conservation, physicochemical variation, residue mobility, and thermodynamic stability) has been performed at Invitae for this missense variant, however the output from this modeling did not meet the statistical confidence thresholds required to predict the impact of this variant on LRSAM1 protein function. In summary, the available evidence is currently insufficient to determine the role of this variant in disease. Therefore, it has been classified as a Variant of Uncertain Significance. This variant has not been reported in the literature in individuals affected with LRSAM1-related conditions. This variant is present in population databases (rs775020499, gnomAD 0.006%). This sequence change replaces methionine, which is neutral and non-polar, with valine, which is neutral and non-polar, at codon 185 of the LRSAM1 protein (p.Met185Val).

NM_001005373.4(LRSAM1):c.553A>G (p.Met185Val)

Gene: LRSAM1 (leucine rich repeat and sterile alpha motif containing 1; plus strand). Cytogenetic location: 9q33.3.
Variant type: single nucleotide variant.
Coding change: c.553A>G on transcript NM_001005373.4 (MANE Select); coding-DNA position 553, A replaced by G.
Protein change: p.Met185Val; replaces methionine 185 with valine.
Molecular consequence: missense variant. On other transcripts: 5 prime UTR variant (1), non-coding transcript variant (2).
Genome position (GRCh38, 1-based): chr9:127,467,764, A>G. VCF-style: chr9-127467764-A-G. GRCh37 (hg19) VCF-style: chr9-130230043-A-G.
Other names: c.553A>G, p.Met185Val (NM_001005374.4, NM_001190723.3, NM_001384142.1 and 2 more transcripts); c.-232A>G (NM_001384144.1); short protein forms M185V.
Identifiers: ClinVar variation 2781784 (VCV002781784.3), dbSNP rs775020499, ClinGen allele CA5246596.